The following is an entry in ClinVar:

ClinVar aggregate classification (germline): Pathogenic (1 of 4 stars; one submission).

Conditions:
Severe intellectual disability-progressive spastic diplegia syndrome (NEDSDV). Also called: NEURODEVELOPMENTAL DISORDER WITH SPASTIC DIPLEGIA AND VISUAL DEFECTS; CTNNB1 Neurodevelopmental Disorder. Identifiers: Orphanet 404473, MedGen C3554449, MONDO:0014035, OMIM 615075.

Submission:

Kasturba Medical College, Manipal, Kasturba Medical College, Manipal, Manipal Academy of Higher Education, Manipal, India
Classification: Pathogenic for Severe intellectual disability-progressive spastic diplegia syndrome. Last evaluated: 2025-12-12. Review status: criteria provided, single submitter. Criteria: ACMG Guidelines, 2015. Collection method: research. Allele origin: de novo. Inheritance: Autosomal dominant inheritance. Affected: yes.
Comment: A novel frameshift deletion, c. This variant is absent in heterozygous and/or homozygous state in our in-house database of 3913 exomes and gnomAD population database (v4.1.0). This variant is predicted to cause shift in the reading frame of the transcript which will either lead to the nonsense-mediated mRNA decay or formation of a truncated protein product.

NM_001904.4(CTNNB1):c.955_974del (p.Gly319fs)

Gene: CTNNB1 (catenin beta 1; plus strand). Cytogenetic location: 3p22.1.
Variant type: Deletion.
Coding change: c.955_974del on transcript NM_001904.4 (MANE Select); coding-DNA positions 955 to 974, 20 bases deleted (GGTGGACCCCAAGCTTTAGT).
Protein change: p.Gly319fs; shifts the reading frame from glycine 319.
Molecular consequence: frameshift variant.
Genome position (GRCh38, 1-based): chr3:41,227,226-41,227,245, GGTGGACCCCAAGCTTTAGT deleted; deleting any 20 consecutive bases within chr3:41,227,222-41,227,245 gives the same sequence; the c. name uses the placement nearest the transcript's 3' end. VCF-style (leftmost placement, unchanged base first): chr3-41227221-CTAGTGGTGGACCCCAAGCTT-C. GRCh37 (hg19) VCF-style: chr3-41268712-CTAGTGGTGGACCCCAAGCTT-C.
Other names: c.955_974del, p.Gly319fs (NM_001098209.2, NM_001098210.2, NM_001438871.1 and 4 more transcripts); c.934_953del, p.Gly312fs (NM_001330729.2); short protein forms G312fs, G319fs.
Identifiers: ClinVar variation 4686631 (VCV004686631.1).